The following is an entry in ClinVar:

NM_004329.3(BMPR1A):c.718G>A (p.Val240Ile)

Gene: BMPR1A (bone morphogenetic protein receptor type 1A; plus strand). Cytogenetic location: 10q23.2.
Variant type: single nucleotide variant.
Coding change: c.718G>A on transcript NM_004329.3 (MANE Select); coding-DNA position 718, G replaced by A.
Protein change: p.Val240Ile; replaces valine 240 with isoleucine.
Molecular consequence: missense variant.
Genome position (GRCh38, 1-based): chr10:86,917,176, G>A. VCF-style: chr10-86917176-G-A. GRCh37 (hg19) VCF-style: chr10-88676933-G-A.
Other names: short protein forms V240I.
Identifiers: ClinVar variation 411637 (VCV000411637.20), dbSNP rs1060503405, ClinGen allele CA16613117.

ClinVar aggregate classification (germline): Uncertain significance. Review status: criteria provided, multiple submitters, no conflicts (2 of 4 stars). 5 submissions from 5 submitters: Uncertain significance (5). Last evaluated 2025-11-05.

Conditions:
Polyposis syndrome, hereditary mixed, 2. Identifiers: Orphanet 157794, MedGen C1864730, MONDO:0012405, OMIM 610069.
Juvenile polyposis syndrome (JPS). Identifiers: Orphanet 2929, MedGen C0345893, MONDO:0017380, OMIM 174900.
Hereditary cancer-predisposing syndrome. Also called: Hereditary neoplastic syndrome; Neoplastic Syndromes, Hereditary; Tumor predisposition; Hereditary Cancer Syndrome. Identifiers: Orphanet 140162, MedGen C0027672, MeSH D009386, MONDO:0015356.

Allele frequency attached by ClinVar (database versions not stated): gnomAD exomes below 0.00001.
gnomAD v4.1: 3 of 1,614,102 alleles (0.00019%); highest among the groups gnomAD compares: Middle Eastern, 0.017%; no homozygotes.

Submissions (5):

Labcorp Genetics (formerly Invitae), Labcorp
Classification: Uncertain significance for Juvenile polyposis syndrome. Last evaluated: 2025-11-05. Review status: criteria provided, single submitter. Criteria: Invitae Variant Classification Sherloc (09022015). Collection method: clinical testing. Allele origin: germline.
Comment: This sequence change replaces valine, which is neutral and non-polar, with isoleucine, which is neutral and non-polar, at codon 240 of the BMPR1A protein (p.Val240Ile). This variant is present in population databases (no rsID available, gnomAD 0.0009%). This variant has not been reported in the literature in individuals affected with BMPR1A-related conditions. ClinVar contains an entry for this variant (Variation ID: 411637). Invitae Evidence Modeling of protein sequence and biophysical properties (such as structural, functional, and spatial information, amino acid conservation, physicochemical variation, residue mobility, and thermodynamic stability) indicates that this missense variant is not expected to disrupt BMPR1A protein function with a negative predictive value of 80%. In summary, the available evidence is currently insufficient to determine the role of this variant in disease. Therefore, it has been classified as a Variant of Uncertain Significance.

Ambry Genetics
Classification: Uncertain significance for Hereditary cancer-predisposing syndrome. Last evaluated: 2024-07-26. Review status: criteria provided, single submitter. Criteria: Ambry Variant Classification Scheme 2023. Collection method: clinical testing. Allele origin: germline.

Baylor Genetics
Classification: Uncertain significance for Polyposis syndrome, hereditary mixed, 2. Last evaluated: 2023-11-20. Review status: criteria provided, single submitter. Criteria: ACMG Guidelines, 2015. Collection method: clinical testing. Allele origin: unknown.

All of Us Research Program, National Institutes of Health
Classification: Uncertain significance for Juvenile polyposis syndrome. Last evaluated: 2023-04-03. Review status: criteria provided, single submitter. Criteria: ACMG Guidelines, 2015. Collection method: clinical testing. Allele origin: germline. Inheritance: Autosomal dominant inheritance. Observed: 1 variant allele, 1 heterozygote.
Comment: This missense variant replaces valine with isoleucine at codon 240 of the BMPR1A protein. Computational prediction suggests that this variant may not impact protein structure and function (internally defined REVEL score threshold <= 0.5, PMID: 27666373). To our knowledge, functional studies have not been reported for this variant. This variant has not been reported in individuals affected with BMPR1A-related disorders in the literature. This variant has been identified in 1/251432 chromosomes in the general population by the Genome Aggregation Database (gnomAD). The available evidence is insufficient to determine the role of this variant in disease conclusively. Therefore, this variant is classified as a Variant of Uncertain Significance.

This study involves interpretation of variants in research participants for the purpose of population health screening. Participant phenotype was not available at the time of variant classification. Additional details can be found in publication PMID: 35346344, PMCID: PMC8962531

GeneDx
Classification: Uncertain significance. Last evaluated: 2023-01-12. Review status: criteria provided, single submitter. Criteria: GeneDx Variant Classification Process June 2021. Collection method: clinical testing. Allele origin: germline. Affected: yes.
Comment: Not observed at significant frequency in large population cohorts (gnomAD); In silico analysis supports that this missense variant does not alter protein structure/function; Has not been previously published as pathogenic or benign to our knowledge; This variant is associated with the following publications: (PMID: 15235019)